The following is an entry in ClinVar:

NM_001199138.2(NLRC4):c.480T>C (p.Ala160=)

Gene: NLRC4 (NLR family CARD domain containing 4; minus strand). Cytogenetic location: 2p22.3.
Variant type: single nucleotide variant.
Coding change: c.480T>C on transcript NM_001199138.2 (MANE Select); coding-DNA position 480, T replaced by C.
Protein change: p.Ala160=; no amino-acid change (alanine 160 retained).
Molecular consequence: synonymous variant. On other transcripts: intron variant (1).
Genome position (GRCh38, 1-based): chr2:32,251,384, A>G on the plus strand (T>C on the coding strand, the complement: NLRC4 is on the minus strand). VCF-style: chr2-32251384-A-G. GRCh37 (hg19) VCF-style: chr2-32476453-A-G.
Other names: c.480T>C, p.Ala160= (NM_001199139.2, NM_021209.5); c.262+1035T>C (NM_001302504.1).
Identifiers: ClinVar variation 1142297 (VCV001142297.15), dbSNP rs372559110, ClinGen allele CA1602137.
Genomic context (GRCh38, chr2:32,251,384, plus strand): 5'-CTGCAGCAGAGTGGACTTGCCTTTGCCAGATTCCCCTTCAATGATGCAGGGGCTCTGAAG[A>G]GCCTGCAGGAGGCCATTCAGGGTCAGCTGCTCCACGCGGTGATGGTGTTGGTCCTTCCTC-3'
Protein context (NP_001186067.1, residues 150-170): EQLTLNGLLQ[Ala160=]LQSPCIIEGE

ClinVar aggregate classification (germline): Likely benign. Review status: criteria provided, multiple submitters, no conflicts (2 of 4 stars). 4 submissions from 4 submitters: Likely benign (3). 1 of the submissions does not count toward it. Last evaluated 2026-01-07.

Conditions:
NLRC4-related disorder. Also called: NLRC4-related condition.
Autoinflammatory syndrome. Identifiers: Orphanet 93665, MedGen C3890737, MONDO:0019751.
Familial cold autoinflammatory syndrome 4 (FCAS4). Identifiers: Orphanet 47045, Orphanet 576349, MedGen C4015276, MONDO:0014498, OMIM 616115.
Periodic fever-infantile enterocolitis-autoinflammatory syndrome. Also called: Autoinflammation with infantile enterocolitis. Identifiers: Orphanet 436166, MedGen C4015067, MONDO:0014472, OMIM 616050.

Allele frequency attached by ClinVar (database versions not stated): TOPMed 0.00008; gnomAD 0.00005 and 0.00006; gnomAD exomes 0.00005 and 0.00013; ExAC 0.00007; ESP Exome Variant Server 0.00008.
gnomAD v4.1: 191 of 1,613,812 alleles (0.012%); highest among the groups gnomAD compares: Non-Finnish European, 0.015%; no homozygotes.

Submissions (4):

Labcorp Genetics (formerly Invitae), Labcorp
Classification: Likely benign for Periodic fever-infantile enterocolitis-autoinflammatory syndrome; Familial cold autoinflammatory syndrome 4. Last evaluated: 2026-01-07. Review status: criteria provided, single submitter. Criteria: Invitae Variant Classification Sherloc (09022015). Collection method: clinical testing. Allele origin: germline.

Blueprint Genetics
Classification: Likely benign. Last evaluated: 2024-06-25. Review status: criteria provided, single submitter. Criteria: ACMG Guidelines, 2015. Collection method: clinical testing. Allele origin: germline.

Genome Diagnostics Laboratory, The Hospital for Sick Children
Classification: Likely benign for Autoinflammatory syndrome. Last evaluated: 2016-12-12. Review status: criteria provided, single submitter. Criteria: ACMG Guidelines, 2015. Collection method: clinical testing. Allele origin: germline. Affected: yes.

PreventionGenetics, part of Exact Sciences
Classification: Likely benign for NLRC4-related condition. Last evaluated: 2021-10-08. Review status: no assertion criteria provided. Collection method: clinical testing. Allele origin: germline. Not counted in ClinVar's aggregate classification.
Comment: This variant is classified as likely benign based on ACMG/AMP sequence variant interpretation guidelines (Richards et al. 2015 PMID: 25741868, with internal and published modifications).